The following is an entry in ClinVar:

ClinVar aggregate classification (germline): Uncertain significance (1 of 4 stars; one submission).

Allele frequency attached by ClinVar (database versions not stated): TOPMed below 0.00001; ExAC 0.00001; gnomAD exomes below 0.00001; gnomAD 0.00001.
gnomAD v4.1: 5 of 1,613,618 alleles (0.00031%); highest among the groups gnomAD compares: Non-Finnish European, 0.00042%; no homozygotes.

Submission:

Labcorp Genetics (formerly Invitae), Labcorp
Classification: Uncertain significance. Last evaluated: 2025-09-10. Review status: criteria provided, single submitter. Criteria: Invitae Variant Classification Sherloc (09022015). Collection method: clinical testing. Allele origin: germline.
Comment: This sequence change replaces serine, which is neutral and polar, with glycine, which is neutral and non-polar, at codon 563 of the DNM1L protein (p.Ser563Gly). This variant is present in population databases (rs747853679, gnomAD 0.0009%). This variant has not been reported in the literature in individuals affected with DNM1L-related conditions. ClinVar contains an entry for this variant (Variation ID: 2768274). An algorithm developed to predict the effect of missense changes on protein structure and function (PolyPhen-2) suggests that this variant is likely to be tolerated. In summary, the available evidence is currently insufficient to determine the role of this variant in disease. Therefore, it has been classified as a Variant of Uncertain Significance.

NM_012062.5(DNM1L):c.1687A>G (p.Ser563Gly)

Gene: DNM1L (dynamin 1 like; plus strand). Cytogenetic location: 12p11.21.
Variant type: single nucleotide variant.
Coding change: c.1687A>G on transcript NM_012062.5 (MANE Select); coding-DNA position 1687, A replaced by G.
Protein change: p.Ser563Gly; replaces serine 563 with glycine.
Molecular consequence: missense variant. On other transcripts: intron variant (4).
Genome position (GRCh38, 1-based): chr12:32,738,276, A>G. VCF-style: chr12-32738276-A-G. GRCh37 (hg19) VCF-style: chr12-32891210-A-G.
Other names: c.1726A>G, p.Ser576Gly (NM_001278464.2); c.1078A>G, p.Ser360Gly (NM_001278466.2); c.1609A>G, p.Ser537Gly (NM_012063.4); c.1713+334A>G (NM_001278465.2); c.1635+1115A>G (NM_001330380.2); c.1674+334A>G (NM_001278463.2); c.1596+1115A>G (NM_005690.5); short protein forms S360G, S537G, S563G, S576G.
Identifiers: ClinVar variation 2768274 (VCV002768274.3), dbSNP rs747853679, ClinGen allele CA6507661.